The following is an entry in ClinVar:

NM_004525.3(LRP2):c.13688C>A (p.Pro4563Gln)

Gene: LRP2 (LDL receptor related protein 2; minus strand). Cytogenetic location: 2q31.1.
Variant type: single nucleotide variant.
Coding change: c.13688C>A on transcript NM_004525.3 (MANE Select); coding-DNA position 13688, C replaced by A.
Protein change: p.Pro4563Gln; replaces proline 4563 with glutamine.
Molecular consequence: missense variant.
Genome position (GRCh38, 1-based): chr2:169,132,614, G>T on the plus strand (C>A on the coding strand, the complement: LRP2 is on the minus strand). VCF-style: chr2-169132614-G-T. GRCh37 (hg19) VCF-style: chr2-169989124-G-T.
Other names: short protein forms P4563Q.
Identifiers: ClinVar variation 2100589 (VCV002100589.4), dbSNP rs1685335588, ClinGen allele CA349150763.

ClinVar aggregate classification (germline): Uncertain significance (1 of 4 stars; one submission).

Submission:

Labcorp Genetics (formerly Invitae), Labcorp
Classification: Uncertain significance. Last evaluated: 2022-02-20. Review status: criteria provided, single submitter. Criteria: Invitae Variant Classification Sherloc (09022015). Collection method: clinical testing. Allele origin: germline.
Comment: This sequence change replaces proline, which is neutral and non-polar, with glutamine, which is neutral and polar, at codon 4563 of the LRP2 protein (p.Pro4563Gln). This variant is not present in population databases (gnomAD no frequency). This variant has not been reported in the literature in individuals affected with LRP2-related conditions. Advanced modeling of protein sequence and biophysical properties (such as structural, functional, and spatial information, amino acid conservation, physicochemical variation, residue mobility, and thermodynamic stability) performed at Invitae indicates that this missense variant is not expected to disrupt LRP2 protein function. In summary, the available evidence is currently insufficient to determine the role of this variant in disease. Therefore, it has been classified as a Variant of Uncertain Significance.